The following is an entry in ClinVar:

ClinVar aggregate classification (germline): Likely pathogenic (1 of 4 stars; one submission).

Conditions:
Fumarase deficiency (FMRD). Also called: Fumaric aciduria; Fumarate Hydratase Deficiency. Identifiers: Orphanet 24, MedGen C0342770, MONDO:0011730, OMIM 606812.
Hereditary leiomyomatosis and renal cell cancer. Also called: Multiple cutaneous leiomyomas; LEIOMYOMA, MULTIPLE CUTANEOUS; Familial leiomyomatosis; FH tumor predisposition syndrome; MULTIPLE CUTANEOUS AND UTERINE LEIOMYOMATA 1, WITH OR WITHOUT RENAL CELL CARCINOMA; Reed syndrome. Identifiers: Orphanet 523, MedGen C1708350, MONDO:0007888, OMIM 150800, HP:0007437. Disease mechanism: loss of function.

Submission:

Juno Genomics, Hangzhou Juno Genomics, Inc
Classification: Likely pathogenic for Fumarase deficiency; Hereditary leiomyomatosis and renal cell cancer. Review status: criteria provided, single submitter. Criteria: ACMG Guidelines, 2015. Collection method: clinical testing. Allele origin: germline.
Comment: Absent from controls (or at extremely low frequency if recessive) in Genome Aggregation Database.;Null variant in a gene where loss of function (LOF) is a known mechanism of disease.

NM_000143.4(FH):c.82_95del (p.Leu28fs)

Gene: FH (fumarate hydratase; minus strand). Cytogenetic location: 1q43.
Variant type: Deletion.
Coding change: c.82_95del on transcript NM_000143.4 (MANE Select); coding-DNA positions 82 to 95, 14 bases deleted (TTGGGTGGCGCGGC).
Protein change: p.Leu28fs; shifts the reading frame from leucine 28.
Molecular consequence: frameshift variant.
Genome position (GRCh38, 1-based): chr1:241,519,628-241,519,641, GCCGCGCCACCCAA deleted on the plus strand (TTGGGTGGCGCGGC on the coding strand, the reverse complement: FH is on the minus strand); deleting any 14 consecutive bases within chr1:241,519,628-241,519,645 gives the same sequence; the c. name uses the placement nearest the transcript's 3' end. VCF-style (leftmost placement, unchanged base first): chr1-241519627-GGCCGCGCCACCCAA-G. GRCh37 (hg19) VCF-style: chr1-241682927-GGCCGCGCCACCCAA-G.
Other names: short protein forms L28fs.
Identifiers: ClinVar variation 5019740 (VCV005019740.2).